The following is an entry in ClinVar:

NM_001372044.2(SHANK3):c.3397C>G (p.Leu1133Val)

Gene: SHANK3 (SH3 and multiple ankyrin repeat domains 3; plus strand). Cytogenetic location: 22q13.33.
Variant type: single nucleotide variant.
Coding change: c.3397C>G on transcript NM_001372044.2 (MANE Select); coding-DNA position 3397, C replaced by G.
Protein change: p.Leu1133Val; replaces leucine 1133 with valine.
Molecular consequence: missense variant.
Genome position (GRCh38, 1-based): chr22:50,721,005, C>G. VCF-style: chr22-50721005-C-G. GRCh37 (hg19) VCF-style: chr22-51159433-C-G.
Other names: c.3172C>G (NM_033517.1); short protein forms L1133V.
Identifiers: ClinVar variation 3342570 (VCV003342570.1).

ClinVar aggregate classification (germline): Uncertain significance (1 of 4 stars; one submission).

Submission:

GeneDx
Classification: Uncertain significance. Last evaluated: 2024-02-25. Review status: criteria provided, single submitter. Criteria: GeneDx Variant Classification Process June 2021. Collection method: clinical testing. Allele origin: germline. Affected: yes.
Comment: Not observed at significant frequency in large population cohorts (gnomAD); Has not been previously published as pathogenic or benign to our knowledge; In-silico analysis is inconclusive as to whether the variant impacts protein structure/function. In the absence of functional studies, the actual effect of this sequence change is unknown